The following is an entry in ClinVar:

ClinVar aggregate classification (germline): Uncertain significance (1 of 4 stars; one submission).

gnomAD v4.1: 1 of 1,587,420 alleles (0.000063%); highest among the groups gnomAD compares: Non-Finnish European, 0.000085%; no homozygotes.

Submission:

Labcorp Genetics (formerly Invitae), Labcorp
Classification: Uncertain significance. Last evaluated: 2022-07-19. Review status: criteria provided, single submitter. Criteria: Invitae Variant Classification Sherloc (09022015). Collection method: clinical testing. Allele origin: germline.
Comment: This sequence change replaces lysine, which is basic and polar, with glutamic acid, which is acidic and polar, at codon 102 of the C8orf37 protein (p.Lys102Glu). In summary, the available evidence is currently insufficient to determine the role of this variant in disease. Therefore, it has been classified as a Variant of Uncertain Significance. Algorithms developed to predict the effect of missense changes on protein structure and function are either unavailable or do not agree on the potential impact of this missense change (SIFT: "Deleterious"; PolyPhen-2: "Probably Damaging"; Align-GVGD: "Class C0"). This variant has not been reported in the literature in individuals affected with C8orf37-related conditions. This variant is not present in population databases (gnomAD no frequency).

NM_177965.4(CFAP418):c.304A>G (p.Lys102Glu)

Gene: CFAP418 (cilia and flagella associated protein 418; minus strand). Cytogenetic location: 8q22.1.
Variant type: single nucleotide variant.
Coding change: c.304A>G on transcript NM_177965.4 (MANE Select); coding-DNA position 304, A replaced by G.
Protein change: p.Lys102Glu; replaces lysine 102 with glutamic acid.
Molecular consequence: missense variant.
Genome position (GRCh38, 1-based): chr8:95,260,472, T>C on the plus strand (A>G on the coding strand, the complement: CFAP418 is on the minus strand). VCF-style: chr8-95260472-T-C. GRCh37 (hg19) VCF-style: chr8-96272700-T-C.
Other names: c.304A>G, p.Lys102Glu (NM_001363260.1); short protein forms K102E.
Identifiers: ClinVar variation 2077799 (VCV002077799.4), dbSNP rs766087213, ClinGen allele CA371837369.
Genomic context (GRCh38, chr8:95,260,472, plus strand): 5'-TGCTCATAGTGTTTGCTCAATAGTGTGTATAATTCACCAAAGCAATCTCAACTTACCTTT[T>C]ACCAAGGCCTTCAATGGAAGCTCTGACAGATGTGTTACCTGAAGATTTAGATTTTAATTT-3'
Protein context (NP_808880.1, residues 92-112): SVRASIEGLG[Lys102Glu]SCSPVYLGGS